The following is an entry in ClinVar:

NM_004304.5(ALK):c.249C>T (p.Gly83=)

Gene: ALK (ALK receptor tyrosine kinase; minus strand). Cytogenetic location: 2p23.1.
Variant type: single nucleotide variant.
Coding change: c.249C>T on transcript NM_004304.5 (MANE Select); coding-DNA position 249, C replaced by T.
Protein change: p.Gly83=; no amino-acid change (glycine 83 retained).
Molecular consequence: synonymous variant.
Genome position (GRCh38, 1-based): chr2:29,920,411, G>A on the plus strand (C>T on the coding strand, the complement: ALK is on the minus strand). VCF-style: chr2-29920411-G-A. GRCh37 (hg19) VCF-style: chr2-30143277-G-A.
Identifiers: ClinVar variation 642831 (VCV000642831.9), dbSNP rs1466800086, ClinGen allele CA425626960.
Genomic context (GRCh38, chr2:29,920,411, plus strand): 5'-CCCCAGCAACCTGAGCAGCGGGGCGCAGTCCAGAGCTAGCGAGCCGCGGGCCTCGGGCCT[G>A]CCAGCCTTCAGCTCCGAGGAGGATGGTGGCAGCAGTAGGTCCCGGGCGTAGACACGGAAG-3'
Protein context (NP_004295.2, residues 73-93): LPPSSSELKA[Gly83=]RPEARGSLAL

ClinVar aggregate classification (germline): Conflicting classifications of pathogenicity. Review status: criteria provided, conflicting classifications (1 of 4 stars). 2 submissions from 2 submitters: Uncertain significance (1); Likely benign (1). Last evaluated 2025-03-06.

Conditions:
Neuroblastoma, susceptibility to, 3. Also called: ALK-Related Neuroblastic Tumor Susceptibility. Identifiers: Orphanet 635, MedGen C2751681, MONDO:0013083, OMIM 613014.
Hereditary cancer-predisposing syndrome. Also called: Neoplastic Syndromes, Hereditary; Hereditary Cancer Syndrome; Hereditary neoplastic syndrome; Tumor predisposition. Identifiers: Orphanet 140162, MedGen C0027672, MeSH D009386, MONDO:0015356.

Allele frequency attached by ClinVar (database versions not stated): TOPMed 0.00001.

Submissions (2):

Ambry Genetics
Classification: Uncertain significance for Hereditary cancer-predisposing syndrome. Last evaluated: 2025-03-06. Review status: criteria provided, single submitter. Criteria: Ambry Variant Classification Scheme 2023. Collection method: clinical testing. Allele origin: germline.
Comment: The c.249C>T variant (also known as p.G83G), located in coding exon 1 of the ALK gene, results from a C to T substitution at nucleotide position 249. This nucleotide substitution does not change the glycine at codon 83. This nucleotide position is not well conserved in available vertebrate species. In silico splice site analysis for this alteration is inconclusive. Based on the available evidence, the clinical significance of this variant remains unclear.

Labcorp Genetics (formerly Invitae), Labcorp
Classification: Likely benign for Neuroblastoma, susceptibility to, 3. Last evaluated: 2022-11-08. Review status: criteria provided, single submitter. Criteria: Invitae Variant Classification Sherloc (09022015). Collection method: clinical testing. Allele origin: germline.